The following is an entry in ClinVar:

ClinVar aggregate classification (germline): Likely pathogenic (1 of 4 stars; one submission).

Submission:

GeneDx
Classification: Likely pathogenic. Last evaluated: 2023-02-07. Review status: criteria provided, single submitter. Criteria: GeneDx Variant Classification Process June 2021. Collection method: clinical testing. Allele origin: germline. Affected: yes.
Comment: Not observed at significant frequency in large population cohorts (gnomAD); In silico analysis supports that this missense variant has a deleterious effect on protein structure/function; Missense variants in this gene are often considered pathogenic (HGMD); This variant is associated with the following publications: (PMID: 35418823)

NM_004985.5(KRAS):c.148A>C (p.Thr50Pro)

Gene: KRAS (KRAS proto-oncogene, GTPase; minus strand). Cytogenetic location: 12p12.1.
Variant type: single nucleotide variant.
Coding change: c.148A>C on transcript NM_004985.5 (MANE Select); coding-DNA position 148, A replaced by C.
Protein change: p.Thr50Pro; replaces threonine 50 with proline.
Molecular consequence: missense variant.
Genome position (GRCh38, 1-based): chr12:25,227,376, T>G on the plus strand (A>C on the coding strand, the complement: KRAS is on the minus strand). VCF-style: chr12-25227376-T-G. GRCh37 (hg19) VCF-style: chr12-25380310-T-G.
Other names: c.148A>C, p.Thr50Pro (NM_001369786.1, NM_001369787.1, NM_033360.4); short protein forms T50P.
Identifiers: ClinVar variation 2575733 (VCV002575733.1), dbSNP rs730880470, ClinGen allele CA384152325.
Genomic context (GRCh38, chr12:25,227,376, plus strand): 5'-GGTCCCTCATTGCACTGTACTCCTCTTGACCTGCTGTGTCGAGAATATCCAAGAGACAGG[T>G]TTCTCCATCAATTACTACTTGCTTCCTGTAGGAATCCTGAGAAGGGAGAAACACAGTCTG-3'
Protein context (NP_004976.2, residues 40-60): YRKQVVIDGE[Thr50Pro]CLLDILDTAG